The following is an entry in ClinVar:

ClinVar aggregate classification (germline): Uncertain significance (1 of 4 stars; one submission).

gnomAD v4.1: 3 of 1,614,072 alleles (0.00019%); highest among the groups gnomAD compares: East Asian, 0.0045%; no homozygotes.

Submission:

Labcorp Genetics (formerly Invitae), Labcorp
Classification: Uncertain significance. Last evaluated: 2024-04-01. Review status: criteria provided, single submitter. Criteria: Invitae Variant Classification Sherloc (09022015). Collection method: clinical testing. Allele origin: germline.
Comment: This sequence change replaces glycine, which is neutral and non-polar, with arginine, which is basic and polar, at codon 991 of the MICAL1 protein (p.Gly991Arg). This variant is not present in population databases (gnomAD no frequency). This variant has not been reported in the literature in individuals affected with MICAL1-related conditions. An algorithm developed to predict the effect of missense changes on protein structure and function (PolyPhen-2) suggests that this variant is likely to be tolerated. In summary, the available evidence is currently insufficient to determine the role of this variant in disease. Therefore, it has been classified as a Variant of Uncertain Significance.

NM_022765.4(MICAL1):c.2914G>A (p.Gly972Arg)

Gene: MICAL1 (microtubule associated monooxygenase, calponin and LIM domain containing 1; minus strand). Cytogenetic location: 6q21.
Variant type: single nucleotide variant.
Coding change: c.2914G>A on transcript NM_022765.4 (MANE Select); coding-DNA position 2914, G replaced by A.
Protein change: p.Gly972Arg; replaces glycine 972 with arginine.
Molecular consequence: missense variant.
Genome position (GRCh38, 1-based): chr6:109,444,963, C>T on the plus strand (G>A on the coding strand, the complement: MICAL1 is on the minus strand). VCF-style: chr6-109444963-C-T. GRCh37 (hg19) VCF-style: chr6-109766166-C-T.
Other names: c.2656G>A, p.Gly886Arg (NM_001159291.2); c.2971G>A, p.Gly991Arg (NM_001286613.2); short protein forms G886R, G991R, G972R.
Identifiers: ClinVar variation 3684547 (VCV003684547.2).